The following is an entry in ClinVar:

ClinVar aggregate classification (germline): Uncertain significance (1 of 4 stars; one submission).

Conditions:
Mitochondrial hypertrophic cardiomyopathy with lactic acidosis due to MTO1 deficiency. Also called: CARDIOMYOPATHY, INFANTILE HYPERTROPHIC MITOCHONDRIAL, AND LACTIC ACIDOSIS; Combined oxidative phosphorylation deficiency 10. Identifiers: Orphanet 314637, MedGen C4749921, MONDO:0013865, OMIM 614702.

Allele frequency attached by ClinVar (database versions not stated): ExAC 0.00001.
gnomAD v4.1: 9 of 1,613,176 alleles (0.00056%); highest among the groups gnomAD compares: East Asian, 0.0089%; no homozygotes.

Submission:

Labcorp Genetics (formerly Invitae), Labcorp
Classification: Uncertain significance for Mitochondrial hypertrophic cardiomyopathy with lactic acidosis due to MTO1 deficiency. Last evaluated: 2022-06-21. Review status: criteria provided, single submitter. Criteria: Invitae Variant Classification Sherloc (09022015). Collection method: clinical testing. Allele origin: germline.
Comment: This sequence change replaces arginine, which is basic and polar, with glutamine, which is neutral and polar, at codon 500 of the MTO1 protein (p.Arg500Gln). This variant is present in population databases (rs770464521, gnomAD 0.02%). This variant has not been reported in the literature in individuals affected with MTO1-related conditions. Algorithms developed to predict the effect of missense changes on protein structure and function (SIFT, PolyPhen-2, Align-GVGD) all suggest that this variant is likely to be disruptive. In summary, the available evidence is currently insufficient to determine the role of this variant in disease. Therefore, it has been classified as a Variant of Uncertain Significance.

NM_012123.4(MTO1):c.1499G>A (p.Arg500Gln)

Gene: MTO1 (mitochondrial tRNA translation optimization 1; plus strand). Cytogenetic location: 6q13.
Variant type: single nucleotide variant.
Coding change: c.1499G>A on transcript NM_012123.4 (MANE Select); coding-DNA position 1499, G replaced by A.
Protein change: p.Arg500Gln; replaces arginine 500 with glutamine.
Molecular consequence: missense variant.
Genome position (GRCh38, 1-based): chr6:73,482,482, G>A. VCF-style: chr6-73482482-G-A. GRCh37 (hg19) VCF-style: chr6-74192205-G-A.
Other names: c.1619G>A, p.Arg540Gln (NM_001123226.2); c.1574G>A, p.Arg525Gln (NM_133645.3); short protein forms R525Q, R540Q, R500Q.
Identifiers: ClinVar variation 1519751 (VCV001519751.7), dbSNP rs770464521, ClinGen allele CA3889672.
Genomic context (GRCh38, chr6:73,482,482, plus strand): 5'-ATTATATTCTCTTTCTCCCTTCCCTAGGGTATAAAGACGCTGGCTGTGTGTCCCAACAAC[G>A]ATATGAAAGAGCTTGTTGGATGAAGTCTTCTTTAGAAGAAGGCATTTCTGTGTTGAAATC-3'
Protein context (NP_036255.2, residues 490-510): YKDAGCVSQQ[Arg500Gln]YERACWMKSS